The following is an entry in ClinVar:

NM_001367624.2(ZNF469):c.5539G>A (p.Ala1847Thr)

Gene: ZNF469 (zinc finger protein 469; plus strand). Cytogenetic location: 16q24.2.
Variant type: single nucleotide variant.
Coding change: c.5539G>A on transcript NM_001367624.2 (MANE Select); coding-DNA position 5539, G replaced by A.
Protein change: p.Ala1847Thr; replaces alanine 1847 with threonine.
Molecular consequence: missense variant.
Genome position (GRCh38, 1-based): chr16:88,433,009, G>A. VCF-style: chr16-88433009-G-A. GRCh37 (hg19) VCF-style: chr16-88499417-G-A.
Other names: NM_001127464.1:c.5455G>A; short protein forms A1847T.
Identifiers: ClinVar variation 1747634 (VCV001747634.8), dbSNP rs771704621, ClinGen allele CA8225086.

ClinVar aggregate classification (germline): Conflicting classifications of pathogenicity. Review status: criteria provided, conflicting classifications (1 of 4 stars). 3 submissions from 3 submitters: Uncertain significance (2); Benign (1). Last evaluated 2025-10-30.

Conditions:
Cardiovascular phenotype. Identifiers: MedGen CN230736.

Allele frequency attached by ClinVar (database versions not stated): ExAC 0.00006; gnomAD 0.00008; TOPMed 0.00016.
gnomAD v4.1: 21 of 1,550,262 alleles (0.0014%); highest among the groups gnomAD compares: African/African-American, 0.019%; no homozygotes.

Submissions (3):

Women's Health and Genetics/Laboratory Corporation of America, LabCorp
Classification: Uncertain significance. Last evaluated: 2025-10-30. Review status: criteria provided, single submitter. Criteria: LabCorp Variant Classification Summary - May 2015. Collection method: clinical testing. Allele origin: germline.
Comment: Variant summary: ZNF469 c.5539G>A (p.Ala1847Thr) results in a non-conservative amino acid change in the encoded protein sequence. Algorithms developed to predict the effect of missense changes on protein structure and function are either unavailable or do not agree on the potential impact of this missense change. The variant allele was found at a frequency of 3.3e-05 in 151940 control chromosomes. The available data on variant occurrences in the general population are insufficient to allow any conclusion about variant significance. To our knowledge, no occurrence of c.5539G>A in individuals affected with ZNF469-related conditions and no experimental evidence demonstrating its impact on protein function have been reported. ClinVar contains an entry for this variant (Variation ID: 1747634). Based on the evidence outlined above, the variant was classified as uncertain significance.

Labcorp Genetics (formerly Invitae), Labcorp
Classification: Uncertain significance. Last evaluated: 2025-07-02. Review status: criteria provided, single submitter. Criteria: Invitae Variant Classification Sherloc (09022015). Collection method: clinical testing. Allele origin: germline.
Comment: This sequence change replaces alanine, which is neutral and non-polar, with threonine, which is neutral and polar, at codon 1819 of the ZNF469 protein (p.Ala1819Thr). This variant is present in population databases (rs771704621, gnomAD 0.04%). This variant has not been reported in the literature in individuals affected with ZNF469-related conditions. ClinVar contains an entry for this variant (Variation ID: 1747634). An algorithm developed to predict the effect of missense changes on protein structure and function outputs the following: PolyPhen-2: "Benign". The threonine amino acid residue is found in multiple mammalian species, which suggests that this missense change does not adversely affect protein function. In summary, the available evidence is currently insufficient to determine the role of this variant in disease. Therefore, it has been classified as a Variant of Uncertain Significance.

Ambry Genetics
Classification: Benign for Cardiovascular phenotype. Last evaluated: 2025-01-14. Review status: criteria provided, single submitter. Criteria: Ambry Variant Classification Scheme 2023. Collection method: clinical testing. Allele origin: germline.